The following is an entry in ClinVar:

GRCh38/hg38 1p36.33(chr1:914087-1113289)x1

Genes: AGRN (agrin; plus strand), C1orf159 (chromosome 1 open reading frame 159; minus strand), HES4 (hes family bHLH transcription factor 4; minus strand), ISG15 (ISG15 ubiquitin like modifier; plus strand), KLHL17 (kelch like family member 17; plus strand) and 37 more. Cytogenetic location: 1p36.33.
Variant type: copy number loss.
Change: copy number 1 (one copy instead of two) of chr1:914,087-1,113,289 (199.2 kb, GRCh38 coordinates, 1-based), cytogenetic band 1p36.33.
Identifiers: ClinVar variation 4796368 (VCV004796368.1).

ClinVar aggregate classification (germline): Uncertain significance (1 of 4 stars; one submission).

Submission:

Medical Genetic Center, Changzhi Maternal and Child Health Care Hospital
Classification: Uncertain significance. Last evaluated: 2025-12-10. Review status: criteria provided, single submitter. Criteria: ACMG/ClinGen CNV Guidelines, 2019. Collection method: clinical testing. Allele origin: unknown.